The following is an entry in ClinVar:

NM_002519.3(NPAT):c.1970A>G (p.Glu657Gly)

Gene: NPAT (nuclear protein, coactivator of histone transcription; minus strand). Cytogenetic location: 11q22.3.
Variant type: single nucleotide variant.
Coding change: c.1970A>G on transcript NM_002519.3 (MANE Select); coding-DNA position 1970, A replaced by G.
Protein change: p.Glu657Gly; replaces glutamic acid 657 with glycine.
Molecular consequence: missense variant.
Genome position (GRCh38, 1-based): chr11:108,173,014, T>C on the plus strand (A>G on the coding strand, the complement: NPAT is on the minus strand). VCF-style: chr11-108173014-T-C. GRCh37 (hg19) VCF-style: chr11-108043741-T-C.
Other names: c.1970A>G, p.Glu657Gly (NM_001321307.1); short protein forms E657G.
Identifiers: ClinVar variation 3222503 (VCV003222503.2), dbSNP rs2496719227, ClinGen allele CA382513960.

ClinVar aggregate classification (germline): Uncertain significance. Review status: criteria provided, multiple submitters, no conflicts (2 of 4 stars). 2 submissions from 2 submitters: Uncertain significance (2). Last evaluated 2026-01-22.

Submissions (2):

Labcorp Genetics (formerly Invitae), Labcorp
Classification: Uncertain significance. Last evaluated: 2026-01-22. Review status: criteria provided, single submitter. Criteria: Invitae Variant Classification Sherloc (09022015). Collection method: clinical testing. Allele origin: germline.
Comment: This sequence change replaces glutamic acid, which is acidic and polar, with glycine, which is neutral and non-polar, at codon 657 of the NPAT protein (p.Glu657Gly). This variant is not present in population databases (gnomAD no frequency). This variant has not been reported in the literature in individuals affected with NPAT-related conditions. ClinVar contains an entry for this variant (Variation ID: 3222503). An algorithm developed to predict the effect of missense changes on protein structure and function (PolyPhen-2) suggests that this variant is likely to be tolerated. In summary, the available evidence is currently insufficient to determine the role of this variant in disease. Therefore, it has been classified as a Variant of Uncertain Significance.

Ambry Genetics
Classification: Uncertain significance. Last evaluated: 2023-12-04. Review status: criteria provided, single submitter. Criteria: Ambry Variant Classification Scheme 2023. Collection method: clinical testing. Allele origin: germline.
Comment: The p.E657G variant (also known as c.1970A>G), located in coding exon 13 of the NPAT gene, results from an A to G substitution at nucleotide position 1970. The glutamic acid at codon 657 is replaced by glycine, an amino acid with similar properties. This amino acid position is conserved. In addition, this alteration is predicted to be tolerated by in silico analysis. Since supporting evidence is limited at this time, the clinical significance of this alteration remains unclear.